The following is an entry in ClinVar:

ClinVar aggregate classification (germline): Uncertain significance. Review status: criteria provided, multiple submitters, no conflicts (2 of 4 stars). 2 submissions from 2 submitters: Uncertain significance (2). Last evaluated 2025-12-15.

Conditions:
Inborn genetic diseases. Identifiers: MedGen C0950123, MeSH D030342.

Submissions (2):

Labcorp Genetics (formerly Invitae), Labcorp
Classification: Uncertain significance. Last evaluated: 2025-12-15. Review status: criteria provided, single submitter. Criteria: Invitae Variant Classification Sherloc (09022015). Collection method: clinical testing. Allele origin: germline.
Comment: This sequence change replaces asparagine, which is neutral and polar, with serine, which is neutral and polar, at codon 2423 of the LAMA5 protein (p.Asn2423Ser). This variant is present in population databases (no rsID available, gnomAD 0.02%). This variant has not been reported in the literature in individuals affected with LAMA5-related conditions. ClinVar contains an entry for this variant (Variation ID: 3866257). Invitae Evidence Modeling of protein sequence and biophysical properties (such as structural, functional, and spatial information, amino acid conservation, physicochemical variation, residue mobility, and thermodynamic stability) indicates that this missense variant is not expected to disrupt LAMA5 protein function with a negative predictive value of 80%. In summary, the available evidence is currently insufficient to determine the role of this variant in disease. Therefore, it has been classified as a Variant of Uncertain Significance.

Ambry Genetics
Classification: Uncertain significance for Inborn genetic diseases. Last evaluated: 2025-01-09. Review status: criteria provided, single submitter. Criteria: Ambry Variant Classification Scheme 2023. Collection method: clinical testing. Allele origin: germline.

NM_005560.6(LAMA5):c.7268A>G (p.Asn2423Ser)

Gene: LAMA5 (laminin subunit alpha 5; minus strand). Cytogenetic location: 20q13.33.
Variant type: single nucleotide variant.
Coding change: c.7268A>G on transcript NM_005560.6 (MANE Select); coding-DNA position 7268, A replaced by G.
Protein change: p.Asn2423Ser; replaces asparagine 2423 with serine.
Molecular consequence: missense variant.
Genome position (GRCh38, 1-based): chr20:62,317,750, T>C on the plus strand (A>G on the coding strand, the complement: LAMA5 is on the minus strand). VCF-style: chr20-62317750-T-C. GRCh37 (hg19) VCF-style: chr20-60892806-T-C.
Other names: short protein forms N2423S.
Identifiers: ClinVar variation 3866257 (VCV003866257.2).
Genomic context (GRCh38, chr20:62,317,750, plus strand): 5'-AATCTGAAGACGCTGGCCAGGGTGTCCCTAGCCGCATGCAGAGTGGCCTGCAGGGTGGCA[T>C]TGTCCCGGGACAGCTCCTGCTTCCTTTGCTGAAGGCAATGCAGGGGAGTTGGGGACAATG-3'
Protein context (NP_005551.3, residues 2413-2433): LQRKQELSRD[Asn2423Ser]ATLQATLHAA